The following is an entry in ClinVar:

NM_058004.4(PI4KA):c.1230C>G (p.Ser410Arg)

Gene: PI4KA (phosphatidylinositol 4-kinase alpha; minus strand). Cytogenetic location: 22q11.21.
Variant type: single nucleotide variant.
Coding change: c.1230C>G on transcript NM_058004.4 (MANE Select); coding-DNA position 1230, C replaced by G.
Protein change: p.Ser410Arg; replaces serine 410 with arginine.
Molecular consequence: missense variant.
Genome position (GRCh38, 1-based): chr22:20,805,104, G>C on the plus strand (C>G on the coding strand, the complement: PI4KA is on the minus strand). VCF-style: chr22-20805104-G-C. GRCh37 (hg19) VCF-style: chr22-21159392-G-C.
Other names: c.1230C>G, p.Ser410Arg (NM_001362862.2); c.1164C>G, p.Ser388Arg (NM_001362863.2); short protein forms S410R, S388R.
Identifiers: ClinVar variation 1810716 (VCV001810716.1), dbSNP rs1935567968, ClinGen allele CA410760412.

ClinVar aggregate classification (germline): Uncertain significance (1 of 4 stars; one submission).

Submission:

GeneDx
Classification: Uncertain significance. Last evaluated: 2022-07-09. Review status: criteria provided, single submitter. Criteria: GeneDx Variant Classification Process June 2021. Collection method: clinical testing. Allele origin: germline. Affected: yes.
Comment: Not observed at significant frequency in large population cohorts (gnomAD); In silico analysis supports that this missense variant has a deleterious effect on protein structure/function; Has not been previously published as pathogenic or benign to our knowledge